The following is an entry in ClinVar:

ClinVar aggregate classification (germline): Uncertain significance (1 of 4 stars; one submission).

Conditions:
Familial Mediterranean fever (FMF). Also called: POLYSEROSITIS, FAMILIAL PAROXYSMAL; POLYSEROSITIS, RECURRENT; Periodic peritonitis; Benign paroxysmal peritonitis. Identifiers: Orphanet 342, MedGen C0031069, MONDO:0018088, OMIM 249100. Disease mechanism: gain of function.

gnomAD v4.1: 6 of 1,614,212 alleles (0.00037%); highest among the groups gnomAD compares: South Asian, 0.0066%; no homozygotes.

Submission:

Labcorp Genetics (formerly Invitae), Labcorp
Classification: Uncertain significance for Familial Mediterranean fever. Last evaluated: 2024-04-08. Review status: criteria provided, single submitter. Criteria: Invitae Variant Classification Sherloc (09022015). Collection method: clinical testing. Allele origin: germline.
Comment: This sequence change replaces cysteine, which is neutral and slightly polar, with tryptophan, which is neutral and slightly polar, at codon 521 of the MEFV protein (p.Cys521Trp). This variant is present in population databases (rs377541032, gnomAD 0.01%). This variant has not been reported in the literature in individuals affected with MEFV-related conditions. An algorithm developed to predict the effect of missense changes on protein structure and function (PolyPhen-2) suggests that this variant is likely to be disruptive. In summary, the available evidence is currently insufficient to determine the role of this variant in disease. Therefore, it has been classified as a Variant of Uncertain Significance.

NM_000243.3(MEFV):c.1563C>G (p.Cys521Trp)

Gene: MEFV (MEFV innate immunity regulator, pyrin; minus strand). Cytogenetic location: 16p13.3.
Variant type: single nucleotide variant.
Coding change: c.1563C>G on transcript NM_000243.3 (MANE Select); coding-DNA position 1563, C replaced by G.
Protein change: p.Cys521Trp; replaces cysteine 521 with tryptophan.
Molecular consequence: missense variant.
Genome position (GRCh38, 1-based): chr16:3,247,040, G>C on the plus strand (C>G on the coding strand, the complement: MEFV is on the minus strand). VCF-style: chr16-3247040-G-C. GRCh37 (hg19) VCF-style: chr16-3297040-G-C.
Other names: c.930C>G, p.Cys310Trp (NM_001198536.2); short protein forms C310W, C521W.
Identifiers: ClinVar variation 3715203 (VCV003715203.2).